The following is an entry in ClinVar:

NM_001042492.3(NF1):c.6430G>A (p.Glu2144Lys)

Gene: NF1 (neurofibromin 1; plus strand). Cytogenetic location: 17q11.2.
Variant type: single nucleotide variant.
Coding change: c.6430G>A on transcript NM_001042492.3 (MANE Select); coding-DNA position 6430, G replaced by A.
Protein change: p.Glu2144Lys; replaces glutamic acid 2144 with lysine.
Molecular consequence: missense variant.
Genome position (GRCh38, 1-based): chr17:31,337,370, G>A. VCF-style: chr17-31337370-G-A. GRCh37 (hg19) VCF-style: chr17-29664388-G-A.
Other names: c.6367G>A, p.Glu2123Lys (NM_000267.4); short protein forms E2123K, E2144K.
Identifiers: ClinVar variation 2816908 (VCV002816908.3), dbSNP rs1567617371, ClinGen allele CA399012989.

ClinVar aggregate classification (germline): Uncertain significance (1 of 4 stars; one submission).

Conditions:
Neurofibromatosis, type 1 (NF1). Also called: VON RECKLINGHAUSEN DISEASE; Peripheral type neurofibromatosis; Neurofibromatosis, type I; NEUROFIBROMATOSIS, TYPE I, SOMATIC. Identifiers: Orphanet 636, MedGen C0027831, MONDO:0018975, OMIM 162200. Disease mechanism: loss of function.

Submission:

Labcorp Genetics (formerly Invitae), Labcorp
Classification: Uncertain significance for Neurofibromatosis, type 1. Last evaluated: 2022-11-26. Review status: criteria provided, single submitter. Criteria: Invitae Variant Classification Sherloc (09022015). Collection method: clinical testing. Allele origin: germline.
Comment: This sequence change replaces glutamic acid, which is acidic and polar, with lysine, which is basic and polar, at codon 2123 of the NF1 protein (p.Glu2123Lys). In summary, the available evidence is currently insufficient to determine the role of this variant in disease. Therefore, it has been classified as a Variant of Uncertain Significance. RNA analysis performed to evaluate the impact of this missense change on mRNA splicing indicates it does not significantly alter splicing (Invitae). Algorithms developed to predict the effect of missense changes on protein structure and function are either unavailable or do not agree on the potential impact of this missense change (SIFT: "Tolerated"; PolyPhen-2: "Probably Damaging"; Align-GVGD: "Class C0"). This variant has not been reported in the literature in individuals affected with NF1-related conditions. This variant is not present in population databases (gnomAD no frequency).